The following is an entry in ClinVar:

NM_001735.3(C5):c.4824C>A (p.Asn1608Lys)

Gene: C5 (complement C5; minus strand). Cytogenetic location: 9q33.2.
Variant type: single nucleotide variant.
Coding change: c.4824C>A on transcript NM_001735.3 (MANE Select); coding-DNA position 4824, C replaced by A.
Protein change: p.Asn1608Lys; replaces asparagine 1608 with lysine.
Molecular consequence: missense variant.
Genome position (GRCh38, 1-based): chr9:120,953,807, G>T on the plus strand (C>A on the coding strand, the complement: C5 is on the minus strand). VCF-style: chr9-120953807-G-T. GRCh37 (hg19) VCF-style: chr9-123716085-G-T.
Other names: c.4842C>A, p.Asn1614Lys (NM_001317163.2); short protein forms N1608K, N1614K.
Identifiers: ClinVar variation 2179357 (VCV002179357.2), dbSNP rs762688981, ClinGen allele CA5217047.

ClinVar aggregate classification (germline): Uncertain significance. Review status: criteria provided, multiple submitters, no conflicts (2 of 4 stars). 2 submissions from 2 submitters: Uncertain significance (2). Last evaluated 2023-11-29.

gnomAD v4.1: 37 of 1,613,616 alleles (0.0023%); highest among the groups gnomAD compares: East Asian, 0.056%; no homozygotes.

Submissions (2):

Blueprint Genetics
Classification: Uncertain significance. Last evaluated: 2023-11-29. Review status: criteria provided, single submitter. Criteria: ACMG Guidelines, 2015. Collection method: clinical testing. Allele origin: germline.

Labcorp Genetics (formerly Invitae), Labcorp
Classification: Uncertain significance. Last evaluated: 2022-06-18. Review status: criteria provided, single submitter. Criteria: Invitae Variant Classification Sherloc (09022015). Collection method: clinical testing. Allele origin: germline.
Comment: This sequence change replaces asparagine, which is neutral and polar, with lysine, which is basic and polar, at codon 1608 of the C5 protein (p.Asn1608Lys). This variant is present in population databases (rs762688981, gnomAD 0.03%). This variant has not been reported in the literature in individuals affected with C5-related conditions. Algorithms developed to predict the effect of missense changes on protein structure and function are either unavailable or do not agree on the potential impact of this missense change (SIFT: "Deleterious"; PolyPhen-2: "Possibly Damaging"; Align-GVGD: "Class C0"). In summary, the available evidence is currently insufficient to determine the role of this variant in disease. Therefore, it has been classified as a Variant of Uncertain Significance.